The following is an entry in ClinVar:

NM_024426.6(WT1):c.1147_1148del (p.Leu383fs)

Gene: WT1 (WT1 transcription factor; minus strand). Cytogenetic location: 11p13.
Variant type: Microsatellite.
Coding change: c.1147_1148del on transcript NM_024426.6 (MANE Select); coding-DNA positions 1147 to 1148, 2 bases deleted (CT; older notation c.1147_1148delCT).
Protein change: p.Leu383fs; shifts the reading frame from leucine 383.
Molecular consequence: frameshift variant. On other transcripts: 5 prime UTR variant (1), non-coding transcript variant (2).
Genome position (GRCh38, 1-based): chr11:32,396,373-32,396,374, AG deleted on the plus strand (CT on the coding strand, the reverse complement: WT1 is on the minus strand); deleting any 2 consecutive bases within chr11:32,396,373-32,396,376 gives the same sequence; the c. name uses the placement nearest the transcript's 3' end. VCF-style (leftmost placement, unchanged base first): chr11-32396372-AAG-A. GRCh37 (hg19) VCF-style: chr11-32417918-AAG-A.
Other names: c.1096_1097del, p.Leu366fs (NM_000378.6, NM_001407045.1, NM_001407048.1 and 1 more transcripts); c.496_497del, p.Leu166fs (NM_001198551.2); c.445_446del, p.Leu149fs (NM_001198552.2); c.-44CT[1] (NM_001367854.1); c.1141_1142del, p.Leu381fs (NM_001407044.1); c.1147_1148del, p.Leu383fs (NM_001407046.1, NM_024424.5); c.1024_1025del, p.Leu342fs (NM_001407047.1); c.973_974del, p.Leu325fs (NM_001407050.1); and 3 more; short protein forms L129fs, L149fs, L166fs, L293fs, L310fs, L325fs, L342fs, L366fs.
Identifiers: ClinVar variation 3753561 (VCV003753561.2).

ClinVar aggregate classification (germline): Pathogenic (1 of 4 stars; one submission).

Conditions:
Wilms tumor 1 (WT1). Also called: Wilms tumor, somatic. Identifiers: Orphanet 654, MedGen CN033288, MONDO:0008679, OMIM 194070.
Drash syndrome (DDS). Also called: NEPHROPATHY, WILMS TUMOR, AND GENITAL ANOMALIES; WILMS TUMOR AND PSEUDO- OR TRUE HERMAPHRODITISM. Identifiers: Orphanet 220, MedGen C0950121, MONDO:0008682, OMIM 194080.
11p partial monosomy syndrome (WAGR). Also called: CHROMOSOME 11p13 DELETION SYNDROME; WAGR Spectrum Disorder; WAGR syndrome; WAGR Complex. Identifiers: Orphanet 893, MedGen C0206115, MONDO:0008681, OMIM 194072.
Frasier syndrome. Identifiers: Orphanet 347, MedGen C0950122, MeSH D052159, MONDO:0007635, OMIM 136680.

Submission:

Labcorp Genetics (formerly Invitae), Labcorp
Classification: Pathogenic for Wilms tumor 1; Drash syndrome; 11p partial monosomy syndrome; Frasier syndrome. Last evaluated: 2024-01-26. Review status: criteria provided, single submitter. Criteria: Invitae Variant Classification Sherloc (09022015). Collection method: clinical testing. Allele origin: germline.
Comment: This sequence change creates a premature translational stop signal (p.Leu378Cysfs*6) in the WT1 gene. It is expected to result in an absent or disrupted protein product. Loss-of-function variants in WT1 are known to be pathogenic (PMID: 15150775). This variant is not present in population databases (gnomAD no frequency). This variant has not been reported in the literature in individuals affected with WT1-related conditions. For these reasons, this variant has been classified as Pathogenic.

Literature cited by the submitters: PubMed 15150775.